The following is an entry in ClinVar:

NM_001142864.4(PIEZO1):c.141C>T (p.Pro47=)

Gene: PIEZO1 (piezo type mechanosensitive ion channel component 1 (Er blood group); minus strand). Cytogenetic location: 16q24.3.
Variant type: single nucleotide variant.
Coding change: c.141C>T on transcript NM_001142864.4 (MANE Select); coding-DNA position 141, C replaced by T.
Protein change: p.Pro47=; no amino-acid change (proline 47 retained).
Molecular consequence: synonymous variant.
Genome position (GRCh38, 1-based): chr16:88,749,403, G>A on the plus strand (C>T on the coding strand, the complement: PIEZO1 is on the minus strand). VCF-style: chr16-88749403-G-A. GRCh37 (hg19) VCF-style: chr16-88815811-G-A.
Identifiers: ClinVar variation 3027052 (VCV003027052.23), dbSNP rs748424033, ClinGen allele CA8233426.

ClinVar aggregate classification (germline): Likely benign. Review status: criteria provided, multiple submitters, no conflicts (2 of 4 stars). 2 submissions from 2 submitters: Likely benign (2). Last evaluated 2024-01-01.

Allele frequency attached by ClinVar (database versions not stated): gnomAD 0.00001; gnomAD exomes 0.00001; TOPMed 0.00001; ExAC 0.00006.
gnomAD v4.1: 10 of 1,517,248 alleles (0.00066%); highest among the groups gnomAD compares: South Asian, 0.0062%; no homozygotes.

Submissions (2):

CeGaT Center for Human Genetics Tuebingen
Classification: Likely benign. Last evaluated: 2024-01-01. Review status: criteria provided, single submitter. Criteria: CeGaT Center For Human Genetics Tuebingen Variant Classification Criteria Version 2. Collection method: clinical testing. Allele origin: germline. Affected: yes. Observed: 1 variant allele.
Comment: PIEZO1: BP4, BP7

Blueprint Genetics
Classification: Likely benign. Last evaluated: 2023-12-27. Review status: criteria provided, single submitter. Criteria: ACMG Guidelines, 2015. Collection method: clinical testing. Allele origin: germline.